The following is an entry in ClinVar:

ClinVar aggregate classification (germline): Uncertain significance (1 of 4 stars; one submission).

Allele frequency attached by ClinVar (database versions not stated): gnomAD 0.00001.
gnomAD v4.1: 44 of 1,614,064 alleles (0.0027%); highest among the groups gnomAD compares: Non-Finnish European, 0.0035%; no homozygotes.

Submission:

GeneDx
Classification: Uncertain significance. Last evaluated: 2021-02-15. Review status: criteria provided, single submitter. Criteria: GeneDx Variant Classification Process June 2021. Collection method: clinical testing. Allele origin: germline. Affected: yes.
Comment: Not observed at a significant frequency in large population cohorts (Lek et al., 2016); In silico analysis, which includes protein predictors and evolutionary conservation, supports a deleterious effect; Has not been previously published as pathogenic or benign to our knowledge

NM_004369.4(COL6A3):c.861C>G (p.Ser287Arg)

Gene: COL6A3 (collagen type VI alpha 3 chain; minus strand). Cytogenetic location: 2q37.3.
Variant type: single nucleotide variant.
Coding change: c.861C>G on transcript NM_004369.4 (MANE Select); coding-DNA position 861, C replaced by G.
Protein change: p.Ser287Arg; replaces serine 287 with arginine.
Molecular consequence: missense variant. On other transcripts: intron variant (2).
Genome position (GRCh38, 1-based): chr2:237,388,033, G>C on the plus strand (C>G on the coding strand, the complement: COL6A3 is on the minus strand). VCF-style: chr2-237388033-G-C. GRCh37 (hg19) VCF-style: chr2-238296676-G-C.
Other names: c.243C>G, p.Ser81Arg (NM_057165.5, NM_057167.4); c.92-6534C>G (NM_057166.5, NM_057164.5); short protein forms S287R, S81R.
Identifiers: ClinVar variation 1207980 (VCV001207980.3), dbSNP rs756380512, ClinGen allele CA2189762.